The following is an entry in ClinVar:

ClinVar aggregate classification (germline): Conflicting classifications of pathogenicity. Review status: criteria provided, conflicting classifications (1 of 4 stars). 2 submissions from 2 submitters: Likely pathogenic (1); Uncertain significance (1). Last evaluated 2025-04-28.

Conditions:
Choroideremia. Also called: Chorioretinal scalloped atrophy. Identifiers: Orphanet 180, MedGen C0008525, MONDO:0010557, OMIM 303100, HP:0001139.

Allele frequency attached by ClinVar (database versions not stated): gnomAD exomes below 0.00001.

Submissions (2):

North West Genomic Laboratory Hub, Manchester University NHS Foundation Trust
Classification: Likely pathogenic for Choroideremia. Last evaluated: 2025-04-28. Review status: criteria provided, single submitter. Criteria: ACGS Best Practice Guidelines for Variant Classification in Rare Disease 2024. Collection method: clinical testing. Allele origin: germline. Affected: yes.
Comment: PP1_Supp PVS1_Str PS4_Mod PM2_Mod

Labcorp Genetics (formerly Invitae), Labcorp
Classification: Uncertain significance. Last evaluated: 2022-10-05. Review status: criteria provided, single submitter. Criteria: Invitae Variant Classification Sherloc (09022015). Collection method: clinical testing. Allele origin: germline.
Comment: This variant is not present in population databases (gnomAD no frequency). This sequence change falls in intron 1 of the CHM gene. It does not directly change the encoded amino acid sequence of the CHM protein. It affects a nucleotide within the consensus splice site. This variant has been observed in individual(s) with choroideremia (PMID: 23811034, 26133251). Variants that disrupt the consensus splice site are a relatively common cause of aberrant splicing (PMID: 17576681, 9536098). Algorithms developed to predict the effect of sequence changes on RNA splicing suggest that this variant may disrupt the consensus splice site. In summary, the available evidence is currently insufficient to determine the role of this variant in disease. Therefore, it has been classified as a Variant of Uncertain Significance.

Literature cited by the submitters: PubMed 23811034 (cited by Labcorp Genetics (formerly Invitae), Labcorp); PubMed 26133251 (cited by Labcorp Genetics (formerly Invitae), Labcorp); PubMed 17576681 (cited by Labcorp Genetics (formerly Invitae), Labcorp); PubMed 9536098 (cited by Labcorp Genetics (formerly Invitae), Labcorp).

NM_000390.4(CHM):c.49+2dup

Gene: CHM (CHM Rab escort protein; minus strand). Cytogenetic location: Xq21.2.
Variant type: Duplication.
Coding change: c.49+2dup on transcript NM_000390.4 (MANE Select); the canonical splice donor site of the intron after coding-DNA position 49, one base duplicated (T; older notation c.49+2dupT).
Molecular consequence: splice donor variant.
Genome position (GRCh38, 1-based): chrX:86,047,482, A duplicated on the plus strand (T on the coding strand, the reverse complement: CHM is on the minus strand). VCF-style (leftmost placement, unchanged base first): chrX-86047481-T-TA. GRCh37 (hg19) VCF-style: chrX-85302485-T-TA.
Other names: c.49+2dup (NM_001145414.4).
Identifiers: ClinVar variation 2138628 (VCV002138628.5), dbSNP rs2521064516, ClinGen allele CA2580102042.
Genomic context (GRCh38, chrX:86,047,481, plus strand): 5'-AGAAAAAACAGAAACAAGACAGTCTTCCTAAACTTTGTCCAGGAAGCACCAGGCTACACA[T>TA]ACCCGTCCCTATTACGATCACATCAAACTCCGAAGGGAGAGTATCCGCCATCTTGACGGG-3'